The following is an entry in ClinVar:

ClinVar aggregate classification (germline): Conflicting classifications of pathogenicity. Review status: criteria provided, conflicting classifications (1 of 4 stars). 8 submissions from 8 submitters: Uncertain significance (4); Likely benign (2). 2 of the submissions do not count toward it. Last evaluated 2025-03-25.

Conditions:
Hereditary cancer-predisposing syndrome. Also called: Tumor predisposition; Neoplastic Syndromes, Hereditary; Hereditary Cancer Syndrome; Hereditary neoplastic syndrome. Identifiers: Orphanet 140162, MedGen C0027672, MeSH D009386, MONDO:0015356.
Hereditary breast ovarian cancer syndrome. Also called: Hereditary breast and ovarian cancer syndrome (HBOC); Hereditary breast and ovarian cancer syndrome; Hereditary breast and ovarian cancer; Hereditary breast and/or ovarian cancer syndrome; Breast and ovarian cancer; BRCA1- and BRCA2-Associated Hereditary Breast and Ovarian Cancer. Identifiers: Orphanet 145, MedGen C0677776, MeSH D061325, MONDO:0003582. Disease mechanism: loss of function.
Breast-ovarian cancer, familial, susceptibility to, 1 (BROVCA1). Also called: OVARIAN CANCER, SUSCEPTIBILITY TO; BRCA1 Hereditary Breast and Ovarian Cancer. Identifiers: Orphanet 145, MedGen C2676676, MONDO:0011450, OMIM 604370. Disease mechanism: loss of function.

Submissions (8):

Ambry Genetics
Classification: Uncertain significance for Hereditary cancer-predisposing syndrome. Last evaluated: 2025-03-25. Review status: criteria provided, single submitter. Criteria: Ambry Variant Classification Scheme 2023. Collection method: clinical testing. Allele origin: germline.
Comment: The p.V1088D variant (also known as c.3263T>A), located in coding exon 9 of the BRCA1 gene, results from a T to A substitution at nucleotide position 3263. The valine at codon 1088 is replaced by aspartic acid, an amino acid with highly dissimilar properties. This amino acid position is poorly conserved in available vertebrate species. In addition, the in silico prediction for this alteration is inconclusive. Since supporting evidence is limited at this time, the clinical significance of this alteration remains unclear.

Myriad Genetics, Inc.
Classification: Likely benign for Breast-ovarian cancer, familial, susceptibility to, 1. Last evaluated: 2024-12-12. Review status: criteria provided, single submitter. Criteria: Myriad Autosomal Dominant, Autosomal Recessive and X-Linked Classification Criteria (2023). Collection method: clinical testing. Allele origin: unknown.
Comment: This variant is considered likely benign. This variant is strongly associated with less severe personal and family histories of cancer, typical for individuals without pathogenic variants in this gene [PMID: 25085752].

All of Us Research Program, National Institutes of Health
Classification: Uncertain significance for Breast-ovarian cancer, familial, susceptibility to, 1. Last evaluated: 2023-06-28. Review status: criteria provided, single submitter. Criteria: ACMG Guidelines, 2015. Collection method: clinical testing. Allele origin: germline. Inheritance: Autosomal dominant inheritance. Observed: 1 variant allele, 1 heterozygote.
Comment: This study involves interpretation of variants in research participants for the purpose of population health screening. Participant phenotype was not available at the time of variant classification. Additional details can be found in publication PMID: 35346344, PMCID: PMC8962531

University of Washington Department of Laboratory Medicine, University of Washington
Classification: Likely benign for Hereditary cancer-predisposing syndrome. Last evaluated: 2023-03-23. Review status: criteria provided, single submitter. Criteria: Dines et al. (Genet Med. 2020). Collection method: curation. Allele origin: germline.
Comment: Missense variant in a coldspot region where missense variants are very unlikely to be pathogenic (PMID:31911673).

BRCA1 coldspot (exon 11 using historical exon numbering). Reclassification based on statistical prior probability

Labcorp Genetics (formerly Invitae), Labcorp
Classification: Uncertain significance for Hereditary breast ovarian cancer syndrome. Last evaluated: 2022-03-03. Review status: criteria provided, single submitter. Criteria: Invitae Variant Classification Sherloc (09022015). Collection method: clinical testing. Allele origin: germline.
Comment: This sequence change replaces valine, which is neutral and non-polar, with aspartic acid, which is acidic and polar, at codon 1088 of the BRCA1 protein (p.Val1088Asp). This variant is not present in population databases (gnomAD no frequency). This variant has not been reported in the literature in individuals affected with BRCA1-related conditions. ClinVar contains an entry for this variant (Variation ID: 54814). Advanced modeling of protein sequence and biophysical properties (such as structural, functional, and spatial information, amino acid conservation, physicochemical variation, residue mobility, and thermodynamic stability) performed at Invitae indicates that this missense variant is not expected to disrupt BRCA1 protein function. In summary, the available evidence is currently insufficient to determine the role of this variant in disease. Therefore, it has been classified as a Variant of Uncertain Significance.

National Health Laboratory Service, Universitas Academic Hospital and University of the Free State
Classification: Uncertain significance for Hereditary breast ovarian cancer syndrome. Last evaluated: 2021-11-16. Review status: criteria provided, single submitter. Criteria: ACMG Guidelines, 2015. Collection method: clinical testing. Allele origin: germline. Affected: yes. Observed: 1 variant allele.

Counsyl
Classification: Uncertain significance for Breast-ovarian cancer, familial, susceptibility to, 1. Last evaluated: 2017-11-08. Review status: no assertion criteria provided. Collection method: clinical testing. Allele origin: unknown. Not counted in ClinVar's aggregate classification.

Breast Cancer Information Core (BIC) (BRCA1)
Classification: Uncertain significance for Breast-ovarian cancer, familial 1. Last evaluated: 2001-10-29. Review status: no assertion criteria provided. Collection method: clinical testing. Allele origin: germline. Affected: yes. Observed: 1 variant allele. Not counted in ClinVar's aggregate classification.

Literature cited by the submitters: PubMed 25085752 (cited by Myriad Genetics, Inc.); DOI 10.3389/fgene.2022.834265 (cited by National Health Laboratory Service, Universitas Academic Hospital and University of the Free State); PubMed 15235020 (cited by Counsyl); PubMed 16267036 (cited by Counsyl); PubMed 16518693 (cited by Counsyl).

NM_007294.4(BRCA1):c.3263T>A (p.Val1088Asp)

Genes: BRCA1 (BRCA1 DNA repair associated; minus strand), LOC126862571 (BRD4-independent group 4 enhancer GRCh37_chr17:41243136-41244335; plus strand). Cytogenetic location: 17q21.31.
Variant type: single nucleotide variant.
Coding change: c.3263T>A on transcript NM_007294.4 (MANE Select); coding-DNA position 3263, T replaced by A.
Protein change: p.Val1088Asp; replaces valine 1088 with aspartic acid.
Molecular consequence: missense variant. On other transcripts: intron variant (137).
Genome position (GRCh38, 1-based): chr17:43,092,268, A>T on the plus strand (T>A on the coding strand, the complement: BRCA1 is on the minus strand). VCF-style: chr17-43092268-A-T. GRCh37 (hg19) VCF-style: chr17-41244285-A-T.
Other names: NP_009225.1:p.Val1088Asp; c.3137T>A, p.Val1046Asp (NM_001407941.1, NM_001407649.1, NM_001407670.1 and 11 more transcripts); c.3122T>A, p.Val1041Asp (NM_001407942.1, NM_001407944.1, NM_001407945.1 and 29 more transcripts); c.3119T>A, p.Val1040Asp (NM_001407943.1, NM_001407964.1, NM_001407740.1 and 20 more transcripts); c.2930T>A, p.Val977Asp (NM_001407946.1, NM_001407947.1, NM_001407948.1 and 6 more transcripts); c.2927T>A, p.Val976Asp (NM_001407954.1, NM_001407955.1, NM_001407956.1 and 1 more transcripts); c.2882T>A, p.Val961Asp (NM_001407959.1, NM_001407960.1, NM_001407963.1); c.2879T>A, p.Val960Asp (NM_001407962.1); and 42 more; short protein forms V1088D, V1041D, V1018D, V1020D, V1061D, V792D, V960D, V977D.
Identifiers: ClinVar variation 54814 (VCV000054814.30), dbSNP rs80356901, ClinGen allele CA002111.